The following is an entry in ClinVar:

NM_000077.5(CDKN2A):c.250G>T (p.Asp84Tyr)

Gene: CDKN2A (cyclin dependent kinase inhibitor 2A; minus strand). Cytogenetic location: 9p21.3.
Variant type: single nucleotide variant.
Coding change: c.250G>T on transcript NM_000077.5; coding-DNA position 250, G replaced by T.
Protein change: p.Asp84Tyr; replaces aspartic acid 84 with tyrosine.
Molecular consequence: missense variant (on NM_000077.6). On other transcripts: 3 prime UTR variant (1).
Genome position (GRCh38, 1-based): chr9:21,971,109, C>A on the plus strand (G>T on the coding strand, the complement: CDKN2A is on the minus strand). VCF-style: chr9-21971109-C-A. GRCh37 (hg19) VCF-style: chr9-21971108-C-A.
Other names: c.250G>T, p.Asp84Tyr (NM_000077.6, NM_001195132.2); c.97G>T, p.Asp33Tyr (NM_001363763.2); c.293G>T, p.Arg98Leu (NM_058195.4); c.*173G>T (NM_058197.5); short protein forms D84Y, R98L, D33Y.
Identifiers: ClinVar variation 376306 (VCV000376306.21), dbSNP rs11552822, ClinGen allele CA16602752.

ClinVar aggregate classification (germline): Conflicting classifications of pathogenicity. Review status: criteria provided, conflicting classifications (1 of 4 stars). 3 submissions from 3 submitters: Pathogenic (1); Uncertain significance (2). Last evaluated 2024-05-01.
ClinVar aggregate classification (oncogenicity): Oncogenic (1 of 4 stars; one submission).

Conditions:
Hereditary cancer-predisposing syndrome. Also called: Tumor predisposition; Neoplastic Syndromes, Hereditary; Hereditary neoplastic syndrome; Hereditary Cancer Syndrome. Identifiers: Orphanet 140162, MedGen C0027672, MeSH D009386, MONDO:0015356.
Familial melanoma. Also called: Hereditary melanoma; Hereditary cutaneous melanoma. Identifiers: Orphanet 618, MedGen C1512419, MONDO:0018961.
Neoplasm. Also called: Neoplasms; Neoplasm (disease); tumor. Identifiers: MedGen C0027651, MeSH D009369, MONDO:0005070, HP:0002664.

Allele frequency attached by ClinVar (database versions not stated): gnomAD exomes below 0.00001.
gnomAD v4.1: 1 of 1,604,480 alleles (0.000062%); highest among the groups gnomAD compares: Admixed American, 0.0017%; no homozygotes.

Submissions (4):

Center for Genomic Medicine, Rigshospitalet, Copenhagen University Hospital
Classification: Oncogenic for Neoplasm. Last evaluated: 2025-12-29. Review status: criteria provided, single submitter. Criteria: ClinGen/CGC/VICC Guidelines for Oncogenicity, 2022. Collection method: clinical testing. Allele origin: somatic. Affected: yes.

Labcorp Genetics (formerly Invitae), Labcorp
Classification: Uncertain significance for Familial melanoma. Last evaluated: 2024-05-01. Review status: criteria provided, single submitter. Criteria: Invitae Variant Classification Sherloc (09022015). Collection method: clinical testing. Allele origin: germline.
Comment: The CDKN2A gene encodes two different proteins, p16INK4a and p14ARF, which are translated from alternative transcripts with different open reading frames. Both transcripts have been analyzed. We report either the variant with the higher classification or default to the CDKN2A (p16INK4a) variant. This report therefore includes the details for the CDKN2A (p16INK4a) variant. This sequence change replaces aspartic acid, which is acidic and polar, with tyrosine, which is neutral and polar, at codon 84 of the CDKN2A (p16INK4a) protein (p.Asp84Tyr). The frequency data for this variant in the population databases is considered unreliable, as metrics indicate poor data quality at this position in the gnomAD database. This missense change has been observed in individual(s) with melanoma (PMID: 10874641, 21462282, 26650189, 26681309). This variant is also known as c.293G>T (p.Arg98Leu) in the CDKN2A (p14AFR) transcript. ClinVar contains an entry for this variant (Variation ID: 376306). An algorithm developed to predict the effect of missense changes on protein structure and function (PolyPhen-2) suggests that this variant is likely to be disruptive. Experimental studies have shown that this missense change affects CDKN2A (p16INK4a) function (PMID: 10360174, 10498896). In summary, the available evidence is currently insufficient to determine the role of this variant in disease. Therefore, it has been classified as a Variant of Uncertain Significance.

Ambry Genetics
Classification: Pathogenic for Hereditary cancer-predisposing syndrome. Last evaluated: 2022-12-20. Review status: criteria provided, single submitter. Criteria: Ambry Variant Classification Scheme 2023. Collection method: clinical testing. Allele origin: germline.
Comment: The p.D84Y pathogenic mutation (also known as c.250G>T), located in coding exon 2 of the CDKN2A gene, results from a G to T substitution at nucleotide position 250. The aspartic acid at codon 84 is replaced by tyrosine, an amino acid with highly dissimilar properties. Functional studies demonstrate that this alteration results in impaired binding with CDK4 and CDK6 (Miller PJ et al. Hum. Mutat. 2011 Aug;32(8):900-11; Ruas M et al. Oncogene 1999 Sep;18(39):5423-34). Further, this alteration occurs at a mutational hotspot, with p.D84N and p.D84H also demonstrating impaired binding (Ruas M et al. Oncogene 1999 Sep;18(39):5423-34). Structural analysis indicates that this alteration dramatically alters the electrostatic character of the CDK-binding surface of p16, resulting in a severe pertubation of the protein structure which likely leads to misfolding and loss of binding (Ruas M et al. Oncogene 1999 Sep;18(39):5423-34; Rajasekaran R et al. Biochimie 2008 Oct;90(10):1523-9; Ambry internal data). In addition, this alteration has been reported in multiple families with familial melanoma, including one family with three individuals with cutaneous malignant melanoma and two individuals with dysplastic nevi (Ambry internal data; Miller PJ et al. Hum. Mutat. 2011 Aug; 32(8):900-11; Ruiz A et al. J. Med. Genet. 1999 Jun;36(6):490-3). This amino acid position is highly conserved in available vertebrate species. In addition, this alteration is predicted to be deleterious by in silico analysis. Based on the supporting evidence, this alteration is interpreted as a disease-causing mutation.

Color Diagnostics, LLC DBA Color Health
Classification: Uncertain significance for Hereditary cancer-predisposing syndrome. Last evaluated: 2020-02-25. Review status: criteria provided, single submitter. Criteria: ACMG Guidelines, 2015. Collection method: clinical testing. Allele origin: germline.
Comment: This missense variant replaces aspartic acid with tyrosine at codon 84 of the CDKN2A (p16INK4A) protein. Computational prediction suggests that this variant may have deleterious impact on protein structure and function (internally defined REVEL score threshold >= 0.7, PMID: 27666373). Splice site prediction tools suggest that this variant may not impact RNA splicing. A functional study has reported this variant to have no detectable binding to CDK4 and CDK6 in vitro (PMID: 10498896). The variant also has been detected in two affected members of a melanoma-prone family and at least two additional carriers whose cancer spectrum are not consistent with CDKN2A-associated cancers (Color internal data and communication with external laboratories). This variant has been identified in 1/231524 chromosomes in the general population by the Genome Aggregation Database (gnomAD). Two different missense variants, p.Asp84Ala and p.Asp84Asn, have conflicting reports between likely pathogenic and uncertain significance in ClinVar (variation ID: 142882, 229806). Although there is a suspicion that this variant may be associated with disease, additional studies are necessary to determine the role of this variant in disease conclusively. Therefore, this variant is classified as a Variant of Uncertain Significance.

Literature cited by the submitters: PubMed 10498896 (cited by 3 submitters); PubMed 10874641 (cited by Labcorp Genetics (formerly Invitae), Labcorp and Ambry Genetics); PubMed 21462282 (cited by Labcorp Genetics (formerly Invitae), Labcorp and Ambry Genetics); PubMed 26650189 (cited by Labcorp Genetics (formerly Invitae), Labcorp); PubMed 26681309 (cited by Labcorp Genetics (formerly Invitae), Labcorp); PubMed 10360174 (cited by Labcorp Genetics (formerly Invitae), Labcorp); PubMed 15146471 (cited by Ambry Genetics); PubMed 18573309 (cited by Ambry Genetics); PubMed 21085193 (cited by Ambry Genetics); PubMed 22841127 (cited by Ambry Genetics); PubMed 25157968 (cited by Ambry Genetics); PubMed 9132280 (cited by Ambry Genetics).